The following is an entry in ClinVar:

ClinVar aggregate classification (germline): Likely benign. Review status: criteria provided, multiple submitters, no conflicts (2 of 4 stars). 3 submissions from 3 submitters: Likely benign (3). Last evaluated 2026-02-11.

Conditions:
BRD4-related disorder. Also called: BRD4-related condition.

Allele frequency attached by ClinVar (database versions not stated): gnomAD exomes 0.00004 and 0.00019; ExAC 0.00006; gnomAD 0.00009; TOPMed 0.00012.
gnomAD v4.1: 296 of 1,613,638 alleles (0.018%); highest among the groups gnomAD compares: Non-Finnish European, 0.023%; no homozygotes.

Submissions (3):

PreventionGenetics, part of Exact Sciences
Classification: Likely benign for BRD4-related condition. Last evaluated: 2026-02-11. Review status: criteria provided, single submitter. Criteria: ACMG Guidelines, 2015. Collection method: clinical testing. Allele origin: germline.
Comment: This variant is classified as likely benign based on ACMG/AMP sequence variant interpretation guidelines (Richards et al. 2015 PMID: 25741868, with internal and published modifications).

CeGaT Center for Human Genetics Tuebingen
Classification: Likely benign. Last evaluated: 2025-09-01. Review status: criteria provided, single submitter. Criteria: CeGaT Center For Human Genetics Tuebingen Variant Classification Criteria Version 2. Collection method: clinical testing. Allele origin: germline. Affected: yes. Observed: 2 variant alleles.
Comment: BRD4: BP4, BP7

Labcorp Genetics (formerly Invitae), Labcorp
Classification: Likely benign. Last evaluated: 2024-08-12. Review status: criteria provided, single submitter. Criteria: Invitae Variant Classification Sherloc (09022015). Collection method: clinical testing. Allele origin: germline.

NM_001379291.1(BRD4):c.645T>G (p.Pro215=)

Gene: BRD4 (bromodomain containing 4; minus strand). Cytogenetic location: 19p13.12.
Variant type: single nucleotide variant.
Coding change: c.645T>G on transcript NM_001379291.1 (MANE Select); coding-DNA position 645, T replaced by G.
Protein change: p.Pro215=; no amino-acid change (proline 215 retained).
Molecular consequence: synonymous variant.
Genome position (GRCh38, 1-based): chr19:15,265,558, A>C on the plus strand (T>G on the coding strand, the complement: BRD4 is on the minus strand). VCF-style: chr19-15265558-A-C. GRCh37 (hg19) VCF-style: chr19-15376369-A-C.
Other names: c.645T>G, p.Pro215= (NM_001330384.2, NM_001379292.1, NM_014299.3 and 1 more transcripts); c.645T>G (NM_058243.2).
Identifiers: ClinVar variation 1675734 (VCV001675734.37), dbSNP rs200390724, ClinGen allele CA9265579.